The following is an entry in ClinVar:

ClinVar aggregate classification (germline): Benign. Review status: criteria provided, multiple submitters, no conflicts (2 of 4 stars). 3 submissions from 3 submitters: Benign (3). Last evaluated 2021-05-12.

Conditions:
Junctional epidermolysis bullosa with pyloric atresia. Also called: ITGB4-Related Epidermolysis Bullosa with Pyloric Atresia; ITGA6-Related Epidermolysis Bullosa with Pyloric Atresia; EPIDERMOLYSIS BULLOSA, JUNCTIONAL 5B, WITH PYLORIC ATRESIA; APLASIA CUTIS CONGENITA WITH GASTROINTESTINAL ATRESIA; CARMI SYNDROME; EB-PA-ACC. Identifiers: Orphanet 79403, MedGen C5676875, MONDO:0009183, OMIM 226730.

Allele frequency attached by ClinVar (database versions not stated): gnomAD 0.04049 and 0.04367; TOPMed 0.04449; gnomAD exomes 0.05482; 1000 Genomes Project 30x 0.06543; 1000 Genomes Project 0.07009.
gnomAD v4.1: 70,212 of 1,311,478 alleles (5.4%); highest among the groups gnomAD compares: East Asian, 18%; 2,340 homozygotes.

Submissions (3):

GeneDx
Classification: Benign. Last evaluated: 2021-05-12. Review status: criteria provided, single submitter. Criteria: GeneDx Variant Classification Process June 2021. Collection method: clinical testing. Allele origin: germline. Affected: yes.

Illumina Laboratory Services, Illumina
Classification: Benign for Junctional epidermolysis bullosa with pyloric atresia. Last evaluated: 2018-01-12. Review status: criteria provided, single submitter. Criteria: ICSL Variant Classification Criteria 13 December 2019. Collection method: clinical testing. Allele origin: germline.
Comment: This variant was observed in the ICSL laboratory as part of a predisposition screen in an ostensibly healthy population. It had not been previously curated by ICSL or reported in the Human Gene Mutation Database (HGMD: prior to June 1st, 2018), and was therefore a candidate for classification through an automated scoring system. Utilizing variant allele frequency, disease prevalence and penetrance estimates, and inheritance mode, an automated score was calculated to assess if this variant is too frequent to cause the disease. Based on the score and internal cut-off values, a variant classified as benign is not then subjected to further curation. The score for this variant resulted in a classification of benign for this disease.

Breakthrough Genomics
Classification: Benign. Review status: criteria provided, single submitter. Criteria: ACMG Guidelines, 2015. Collection method: not provided. Allele origin: germline. Inheritance: Autosomal recessive inheritance. Affected: yes.

NM_000210.4(ITGA6):c.-138G>A

Gene: ITGA6 (integrin subunit alpha 6; plus strand). Cytogenetic location: 2q31.1.
Variant type: single nucleotide variant.
Coding change: c.-138G>A on transcript NM_000210.4 (MANE Select); 138 bases upstream of the start codon, G replaced by A.
Molecular consequence: 5 prime UTR variant. On other transcripts: intron variant (1).
Genome position (GRCh38, 1-based): chr2:172,427,651, G>A. VCF-style: chr2-172427651-G-A. GRCh37 (hg19) VCF-style: chr2-173292379-G-A.
Other names: c.-138G>A (NM_001079818.3, NM_001365529.2, NM_001365530.2); c.-161+181G>A (NM_001316306.2).
Identifiers: ClinVar variation 332352 (VCV000332352.7), dbSNP rs144682022, ClinGen allele CA10613044.